The following is an entry in ClinVar:

ClinVar aggregate classification (germline): Uncertain significance (1 of 4 stars; one submission).

Conditions:
Hydrocephalus, nonsyndromic, autosomal recessive 2. Also called: Hydrocephalus, congenital, 2, with or without brain or eye anomalies. Identifiers: Orphanet 2185, MedGen C3554691, MONDO:0014085, OMIM 615219.

Allele frequency attached by ClinVar (database versions not stated): gnomAD exomes below 0.00001.
gnomAD v4.1: 1 of 1,613,550 alleles (0.000062%); highest among the groups gnomAD compares: Middle Eastern, 0.017%; no homozygotes.

Submission:

Baylor Genetics
Classification: Uncertain significance for Hydrocephalus, nonsyndromic, autosomal recessive 2. Last evaluated: 2020-06-09. Review status: criteria provided, single submitter. Criteria: ACMG Guidelines, 2015. Collection method: clinical testing. Allele origin: unknown. Affected: yes.
Comment: This variant was determined to be of uncertain significance according to ACMG Guidelines, 2015 [PMID:25741868].

NM_001378778.1(MPDZ):c.2234T>C (p.Leu745Pro)

Gene: MPDZ (multiple PDZ domain crumbs cell polarity complex component; minus strand). Cytogenetic location: 9p23.
Variant type: single nucleotide variant.
Coding change: c.2234T>C on transcript NM_001378778.1 (MANE Select); coding-DNA position 2234, T replaced by C.
Protein change: p.Leu745Pro; replaces leucine 745 with proline.
Molecular consequence: missense variant.
Genome position (GRCh38, 1-based): chr9:13,188,914, A>G on the plus strand (T>C on the coding strand, the complement: MPDZ is on the minus strand). VCF-style: chr9-13188914-A-G. GRCh37 (hg19) VCF-style: chr9-13188913-A-G.
Other names: c.2234T>C, p.Leu745Pro (NM_001261406.2, NM_001261407.2, NM_001330637.2 and 14 more transcripts); short protein forms L745P.
Identifiers: ClinVar variation 1029757 (VCV001029757.1), dbSNP rs1954519934, ClinGen allele CA372937650.